The following is an entry in ClinVar:

ClinVar aggregate classification (germline): Uncertain significance (1 of 4 stars; one submission).

Conditions:
Hereditary breast ovarian cancer syndrome. Also called: Hereditary breast and ovarian cancer syndrome; Hereditary breast and ovarian cancer syndrome (HBOC); BRCA1- and BRCA2-Associated Hereditary Breast and Ovarian Cancer; Hereditary breast and ovarian cancer; Breast and ovarian cancer; Hereditary breast and/or ovarian cancer syndrome. Identifiers: Orphanet 145, MedGen C0677776, MeSH D061325, MONDO:0003582. Disease mechanism: loss of function.

Submission:

Labcorp Genetics (formerly Invitae), Labcorp
Classification: Uncertain significance for Hereditary breast ovarian cancer syndrome. Last evaluated: 2024-04-08. Review status: criteria provided, single submitter. Criteria: Invitae Variant Classification Sherloc (09022015). Collection method: clinical testing. Allele origin: germline.
Comment: This sequence change replaces glycine, which is neutral and non-polar, with alanine, which is neutral and non-polar, at codon 2743 of the BRCA2 protein (p.Gly2743Ala). This variant is not present in population databases (gnomAD no frequency). This variant has not been reported in the literature in individuals affected with BRCA2-related conditions. Advanced modeling of protein sequence and biophysical properties (such as structural, functional, and spatial information, amino acid conservation, physicochemical variation, residue mobility, and thermodynamic stability) performed at Invitae indicates that this missense variant is not expected to disrupt BRCA2 protein function with a negative predictive value of 95%. In summary, the available evidence is currently insufficient to determine the role of this variant in disease. Therefore, it has been classified as a Variant of Uncertain Significance.

NM_000059.4(BRCA2):c.8228G>C (p.Gly2743Ala)

Gene: BRCA2 (BRCA2 DNA repair associated; plus strand). Cytogenetic location: 13q13.1.
Variant type: single nucleotide variant.
Coding change: c.8228G>C on transcript NM_000059.4 (MANE Select); coding-DNA position 8228, G replaced by C.
Protein change: p.Gly2743Ala; replaces glycine 2743 with alanine.
Molecular consequence: missense variant. On other transcripts: non-coding transcript variant (1).
Genome position (GRCh38, 1-based): chr13:32,363,430, G>C. VCF-style: chr13-32363430-G-C. GRCh37 (hg19) VCF-style: chr13-32937567-G-C.
Other names: c.8132G>C, p.Gly2711Ala (NM_001406719.1); c.8228G>C, p.Gly2743Ala (NM_001406720.1, NM_001432077.1); c.3296G>C, p.Gly1099Ala (NM_001406721.1); c.1811G>C, p.Gly604Ala (NM_001406722.1); short protein forms G1099A, G2743A, G2711A, G604A.
Identifiers: ClinVar variation 3636533 (VCV003636533.2).